The following is an entry in ClinVar:

ClinVar aggregate classification (germline): Uncertain significance (1 of 4 stars; one submission).

gnomAD v4.1: 14 of 1,613,656 alleles (0.00087%); highest among the groups gnomAD compares: Non-Finnish European, 0.0012%; no homozygotes.

Submission:

Labcorp Genetics (formerly Invitae), Labcorp
Classification: Uncertain significance. Last evaluated: 2022-05-19. Review status: criteria provided, single submitter. Criteria: Invitae Variant Classification Sherloc (09022015). Collection method: clinical testing. Allele origin: germline.
Comment: In summary, the available evidence is currently insufficient to determine the role of this variant in disease. Therefore, it has been classified as a Variant of Uncertain Significance. Advanced modeling of protein sequence and biophysical properties (such as structural, functional, and spatial information, amino acid conservation, physicochemical variation, residue mobility, and thermodynamic stability) performed at Invitae indicates that this missense variant is expected to disrupt LRP5 protein function. This variant has not been reported in the literature in individuals affected with LRP5-related conditions. This variant is not present in population databases (gnomAD no frequency). This sequence change replaces glycine, which is neutral and non-polar, with tryptophan, which is neutral and slightly polar, at codon 1429 of the LRP5 protein (p.Gly1429Trp).

NM_002335.4(LRP5):c.4285G>T (p.Gly1429Trp)

Gene: LRP5 (LDL receptor related protein 5; plus strand). Cytogenetic location: 11q13.2.
Variant type: single nucleotide variant.
Coding change: c.4285G>T on transcript NM_002335.4 (MANE Select); coding-DNA position 4285, G replaced by T.
Protein change: p.Gly1429Trp; replaces glycine 1429 with tryptophan.
Molecular consequence: missense variant.
Genome position (GRCh38, 1-based): chr11:68,438,619, G>T. VCF-style: chr11-68438619-G-T. GRCh37 (hg19) VCF-style: chr11-68206087-G-T.
Other names: c.2542G>T, p.Gly848Trp (NM_001291902.2); short protein forms G848W, G1429W.
Identifiers: ClinVar variation 1996490 (VCV001996490.4), dbSNP rs201210158, ClinGen allele CA381615178.